The following is an entry in ClinVar:

NM_001734.5(C1S):c.1466C>T (p.Ser489Phe)

Gene: C1S (complement C1s; plus strand). Cytogenetic location: 12p13.31.
Variant type: single nucleotide variant.
Coding change: c.1466C>T on transcript NM_001734.5 (MANE Select); coding-DNA position 1466, C replaced by T.
Protein change: p.Ser489Phe; replaces serine 489 with phenylalanine.
Molecular consequence: missense variant.
Genome position (GRCh38, 1-based): chr12:7,070,050, C>T. VCF-style: chr12-7070050-C-T. GRCh37 (hg19) VCF-style: chr12-7177354-C-T.
Other names: c.965C>T, p.Ser322Phe (NM_001346850.2); c.1466C>T, p.Ser489Phe (NM_201442.4); short protein forms S322F, S489F.
Identifiers: ClinVar variation 1525447 (VCV001525447.8), dbSNP rs2135729794, ClinGen allele CA383704523.

ClinVar aggregate classification (germline): Uncertain significance (1 of 4 stars; one submission).

Submission:

Labcorp Genetics (formerly Invitae), Labcorp
Classification: Uncertain significance. Last evaluated: 2022-02-03. Review status: criteria provided, single submitter. Criteria: Invitae Variant Classification Sherloc (09022015). Collection method: clinical testing. Allele origin: germline.
Comment: In summary, the available evidence is currently insufficient to determine the role of this variant in disease. Therefore, it has been classified as a Variant of Uncertain Significance. Algorithms developed to predict the effect of missense changes on protein structure and function (SIFT, PolyPhen-2, Align-GVGD) all suggest that this variant is likely to be disruptive. This variant has not been reported in the literature in individuals affected with C1S-related conditions. This variant is not present in population databases (gnomAD no frequency). This sequence change replaces serine, which is neutral and polar, with phenylalanine, which is neutral and non-polar, at codon 489 of the C1S protein (p.Ser489Phe).